The following is an entry in ClinVar:

ClinVar aggregate classification (germline): Pathogenic. Review status: criteria provided, multiple submitters, no conflicts (2 of 4 stars). 4 submissions from 4 submitters: Pathogenic (4). Last evaluated 2025-12-01.

Conditions:
Intellectual disability-microcephaly-strabismus-behavioral abnormalities syndrome. Also called: White-Sutton Syndrome. Identifiers: Orphanet 468678, MedGen C4225351, MONDO:0014606, OMIM 616364.
POGZ-related disorder. Also called: POGZ-related condition.

Submissions (4):

Intergen Genetics and Rare Diseases Diagnosis Center
Classification: Pathogenic for Intellectual disability-microcephaly-strabismus-behavioral abnormalities syndrome. Last evaluated: 2025-12-01. Review status: criteria provided, single submitter. Criteria: ACMG Guidelines, 2015. Collection method: clinical testing. Allele origin: de novo. Inheritance: Autosomal dominant inheritance. Affected: yes. Observed: 1 variant allele, 1 heterozygote.
Comment: This heterozygous POGZ variant (c.3022C>T; p.Arg1008Ter, rs1085307702) is a stop-gained change predicted to result in premature termination of the protein. The variant has a high CADD score (37.0), supporting a deleterious effect. It is absent from population databases (PM2) and is expected to cause loss of function, a known disease mechanism for POGZ-related neurodevelopmental disorder (PVS1). Additionally, two independent ClinVar submissions have reported this variant as pathogenic. Based on the ACMG/AMP guidelines, including criteria PVS1, PS2, and PM2, this variant is classified as Pathogenic for the phenotype characterized by intellectual disability, microcephaly, strabismus, and behavioral abnormalities.

Victorian Clinical Genetics Services, Murdoch Childrens Research Institute
Classification: Pathogenic for Intellectual disability-microcephaly-strabismus-behavioral abnormalities syndrome. Last evaluated: 2024-11-03. Review status: criteria provided, single submitter. Criteria: ACMG Guidelines, 2015. Collection method: clinical testing. Allele origin: germline. Affected: yes.
Comment: This variant is classified as Pathogenic. Evidence in support of pathogenic classification: Variant is predicted to result in a truncated protein (premature termination codon is NOT located at least 54 nucleotides upstream of the final exon-exon junction) with less than 1/3 of the protein sequence affected; Variant is absent from gnomAD (v2, v3 and v4); This variant has previous evidence of pathogenicity in unrelated individuals. This variant has been classified as pathogenic by a clinical laboratory in ClinVar. This variant has also been reported in the literature as de novo in at least one individual with POGZ-related symptoms (PMID: 26942287); Other protein truncating variant(s) comparable to the one identified in this case have very strong previous evidence for pathogenicity (DECIPHER). Additional information: This variant is heterozygous; This gene is associated with autosomal dominant disease; Variant truncates the annotated Tc5 transposase DNA-binding domain and the DDE superfamily endonuclease domain (DECIPHER); Loss of function is a known mechanism of disease in this gene and is associated with White-Sutton syndrome (MIM#616364).

Blueprint Genetics
Classification: Pathogenic for POGZ-related disorders. Last evaluated: 2024-05-10. Review status: criteria provided, single submitter. Criteria: ACMG Guidelines, 2015. Collection method: clinical testing. Allele origin: germline. Affected: yes. Observed: 1 variant allele.

GeneDx
Classification: Pathogenic. Last evaluated: 2022-11-03. Review status: criteria provided, single submitter. Criteria: GeneDx Variant Classification Process June 2021. Collection method: clinical testing. Allele origin: germline. Affected: yes.
Comment: Published functional studies demonstrate p.R1008* in POGZ disrupts the DNA-binding activity (Matsumura et al., 2016); Nonsense variant predicted to result in protein truncation, as the last 403 amino acids are lost, and other loss-of-function variants have been reported downstream in HGMD; Not observed at significant frequency in large population cohorts (gnomAD); This variant is associated with the following publications: (PMID: 26739615, 25363768, 26942287, 31332282, 32103003, 28714951, 31981491, 31785789, 28191890, 33004838, 33909211, 27103995)

Literature cited by the submitters: PubMed 26739615 (cited by Intergen Genetics and Rare Diseases Diagnosis Center); PubMed 26942287 (cited by Victorian Clinical Genetics Services, Murdoch Childrens Research Institute).

NM_015100.4(POGZ):c.3022C>T (p.Arg1008Ter)

Gene: POGZ (pogo transposable element derived with ZNF domain; minus strand). Cytogenetic location: 1q21.3.
Variant type: single nucleotide variant.
Coding change: c.3022C>T on transcript NM_015100.4 (MANE Select); coding-DNA position 3022, C replaced by T.
Protein change: p.Arg1008Ter; replaces arginine 1008 with a stop codon.
Molecular consequence: nonsense.
Genome position (GRCh38, 1-based): chr1:151,406,013, G>A on the plus strand (C>T on the coding strand, the complement: POGZ is on the minus strand). VCF-style: chr1-151406013-G-A. GRCh37 (hg19) VCF-style: chr1-151378489-G-A.
Other names: c.2995C>T, p.Arg999Ter (NM_001194937.2); c.2836C>T, p.Arg946Ter (NM_001194938.2); c.2737C>T, p.Arg913Ter (NM_145796.4); c.2863C>T, p.Arg955Ter (NM_207171.2); short protein forms R1008*, R999*, R946*, R913*, R955*.
Identifiers: ClinVar variation 426598 (VCV000426598.8), dbSNP rs1085307702, ClinGen allele CA341946615.